The following is an entry in ClinVar:

ClinVar aggregate classification (germline): Uncertain significance (1 of 4 stars; one submission).

Conditions:
Hereditary cancer-predisposing syndrome. Also called: Hereditary Cancer Syndrome; Hereditary neoplastic syndrome; Tumor predisposition; Neoplastic Syndromes, Hereditary. Identifiers: Orphanet 140162, MedGen C0027672, MeSH D009386, MONDO:0015356.

Submission:

Ambry Genetics
Classification: Uncertain significance for Hereditary cancer-predisposing syndrome. Last evaluated: 2024-10-11. Review status: criteria provided, single submitter. Criteria: Ambry Variant Classification Scheme 2023. Collection method: clinical testing. Allele origin: germline.
Comment: The p.N799D variant (also known as c.2395A>G), located in coding exon 14 of the ALK gene, results from an A to G substitution at nucleotide position 2395. The asparagine at codon 799 is replaced by aspartic acid, an amino acid with highly similar properties. This amino acid position is conserved. In addition, this alteration is predicted to be tolerated by in silico analysis. Based on the available evidence, the clinical significance of this variant remains unclear.

NM_004304.5(ALK):c.2395A>G (p.Asn799Asp)

Gene: ALK (ALK receptor tyrosine kinase; minus strand). Cytogenetic location: 2p23.2.
Variant type: single nucleotide variant.
Coding change: c.2395A>G on transcript NM_004304.5 (MANE Select); coding-DNA position 2395, A replaced by G.
Protein change: p.Asn799Asp; replaces asparagine 799 with aspartic acid.
Molecular consequence: missense variant.
Genome position (GRCh38, 1-based): chr2:29,233,657, T>C on the plus strand (A>G on the coding strand, the complement: ALK is on the minus strand). VCF-style: chr2-29233657-T-C. GRCh37 (hg19) VCF-style: chr2-29456523-T-C.
Other names: short protein forms N799D.
Identifiers: ClinVar variation 3522000 (VCV003522000.1).
Genomic context (GRCh38, chr2:29,233,657, plus strand): 5'-CTCCGCCTCCTGCCCACTCATGCACGCTTCTGTTCACACGGATTTCTTCTTCTATCACAT[T>C]GTTCTCTCCAATGCAGACTTTCTGGATTAACTGGTTTGTCTGTAGAAACAAAAAGCACGT-3'
Protein context (NP_004295.2, residues 789-809): LIQKVCIGEN[Asn799Asp]VIEEEIRVNR